The following is an entry in ClinVar:

ClinVar aggregate classification (germline): Likely benign. Review status: criteria provided, multiple submitters, no conflicts (2 of 4 stars). 2 submissions from 2 submitters: Likely benign (2). Last evaluated 2026-09-01.

Conditions:
FMN2-related disorder. Also called: FMN2-related condition.

Submissions (2):

CeGaT Center for Human Genetics Tuebingen
Classification: Likely benign. Last evaluated: 2026-09-01. Review status: criteria provided, single submitter. Criteria: CeGaT Center For Human Genetics Tuebingen Variant Classification Criteria Version 2. Collection method: clinical testing. Allele origin: germline. Affected: yes. Observed: 20 variant alleles.
Comment: FMN2: BP4, BP7

PreventionGenetics, part of Exact Sciences
Classification: Likely benign for FMN2-related condition. Last evaluated: 2019-02-18. Review status: criteria provided, single submitter. Criteria: ACMG Guidelines, 2015. Collection method: clinical testing. Allele origin: germline.
Comment: This variant is classified as likely benign based on ACMG/AMP sequence variant interpretation guidelines (Richards et al. 2015 PMID: 25741868, with internal and published modifications).

NM_020066.5(FMN2):c.3015A>G (p.Gly1005=)

Gene: FMN2 (formin 2; plus strand). Cytogenetic location: 1q43.
Variant type: single nucleotide variant.
Coding change: c.3015A>G on transcript NM_020066.5 (MANE Select); coding-DNA position 3015, A replaced by G.
Protein change: p.Gly1005=; no amino-acid change (glycine 1005 retained).
Molecular consequence: synonymous variant. On other transcripts: intron variant (1).
Genome position (GRCh38, 1-based): chr1:240,207,827, A>G. VCF-style: chr1-240207827-A-G. GRCh37 (hg19) VCF-style: chr1-240371127-A-G.
Other names: c.3027A>G, p.Gly1009= (NM_001305424.2); c.1986+19565A>G (NM_001348094.2); c.3015A>G (NM_020066.4).
Identifiers: ClinVar variation 2640153 (VCV002640153.25), dbSNP rs1273510118, ClinGen allele CA424385699.